The following is an entry in ClinVar:

ClinVar aggregate classification (germline): Conflicting classifications of pathogenicity. Review status: criteria provided, conflicting classifications (1 of 4 stars). 3 submissions from 3 submitters: Uncertain significance (1); Benign (1). 1 of the submissions does not count toward it. Last evaluated 2026-01-09.

Conditions:
Autosomal recessive congenital ichthyosis 6 (ARCI6). Identifiers: Orphanet 313, Orphanet 79394, MedGen C2677065, MONDO:0012847, OMIM 612281.
NIPAL4-related disorder. Also called: NIPAL4-related condition.

Allele frequency attached by ClinVar (database versions not stated): gnomAD 0.00009 and 0.00011; TOPMed 0.00011; ExAC 0.00017; gnomAD exomes 0.00017; 1000 Genomes Project 30x 0.00031; 1000 Genomes Project 0.00040.
gnomAD v4.1: 136 of 1,595,246 alleles (0.0085%); highest among the groups gnomAD compares: East Asian, 0.26%; no homozygotes.

Submissions (3):

Labcorp Genetics (formerly Invitae), Labcorp
Classification: Benign. Last evaluated: 2026-01-09. Review status: criteria provided, single submitter. Criteria: Invitae Variant Classification Sherloc (09022015). Collection method: clinical testing. Allele origin: germline.

Illumina Laboratory Services, Illumina
Classification: Uncertain significance for Autosomal recessive congenital ichthyosis 6. Last evaluated: 2018-01-13. Review status: criteria provided, single submitter. Criteria: ICSL Variant Classification Criteria 13 December 2019. Collection method: clinical testing. Allele origin: germline.

PreventionGenetics, part of Exact Sciences
Classification: Likely benign for NIPAL4-related condition. Last evaluated: 2019-12-06. Review status: no assertion criteria provided. Collection method: clinical testing. Allele origin: germline. Not counted in ClinVar's aggregate classification.
Comment: This variant is classified as likely benign based on ACMG/AMP sequence variant interpretation guidelines (Richards et al. 2015 PMID: 25741868, with internal and published modifications).

NM_001099287.2(NIPAL4):c.587-5C>A

Gene: NIPAL4 (NIPA like domain containing 4; plus strand). Cytogenetic location: 5q33.3.
Variant type: single nucleotide variant.
Coding change: c.587-5C>A on transcript NM_001099287.2 (MANE Select); 5 bases into the intron before coding-DNA position 587, C replaced by A.
Molecular consequence: intron variant.
Genome position (GRCh38, 1-based): chr5:157,472,327, C>A. VCF-style: chr5-157472327-C-A. GRCh37 (hg19) VCF-style: chr5-156899335-C-A.
Other names: c.530-5C>A (NM_001172292.2).
Identifiers: ClinVar variation 352516 (VCV000352516.8), dbSNP rs200497471, ClinGen allele CA3534695.